The following is an entry in ClinVar:

ClinVar aggregate classification (germline): Pathogenic (1 of 4 stars; one submission).

Conditions:
Cohen syndrome (COH1). Also called: PEPPER SYNDROME; Cutis verticis gyrata, retinitis pigmentosa, and sensorineural deafness. Identifiers: Orphanet 193, MedGen C0265223, MONDO:0008999, OMIM 216550.

Submission:

Labcorp Genetics (formerly Invitae), Labcorp
Classification: Pathogenic for Cohen syndrome. Last evaluated: 2023-01-22. Review status: criteria provided, single submitter. Criteria: Invitae Variant Classification Sherloc (09022015). Collection method: clinical testing. Allele origin: germline.
Comment: For these reasons, this variant has been classified as Pathogenic. This variant has not been reported in the literature in individuals affected with VPS13B-related conditions. This variant is not present in population databases (gnomAD no frequency). This sequence change creates a premature translational stop signal (p.Leu2420*) in the VPS13B gene. It is expected to result in an absent or disrupted protein product. Loss-of-function variants in VPS13B are known to be pathogenic (PMID: 15141358, 16648375, 20461111).

Literature cited by the submitters: PubMed 15141358; PubMed 16648375; PubMed 20461111.

NM_152564.5(VPS13B):c.7184T>G (p.Leu2395Ter)

Gene: VPS13B (vacuolar protein sorting 13 homolog B; plus strand). Cytogenetic location: 8q22.2.
Variant type: single nucleotide variant.
Coding change: c.7184T>G on transcript NM_152564.5 (MANE Select); coding-DNA position 7184, T replaced by G.
Protein change: p.Leu2395Ter; replaces leucine 2395 with a stop codon.
Molecular consequence: nonsense.
Genome position (GRCh38, 1-based): chr8:99,766,907, T>G. VCF-style: chr8-99766907-T-G. GRCh37 (hg19) VCF-style: chr8-100779135-T-G.
Other names: c.7259T>G, p.Leu2420Ter (NM_017890.5); short protein forms L2395*, L2420*.
Identifiers: ClinVar variation 2831027 (VCV002831027.3), dbSNP rs2491774580, ClinGen allele CA371874423.